The following is an entry in ClinVar:

ClinVar aggregate classification (germline): Likely benign. Review status: criteria provided, multiple submitters, no conflicts (2 of 4 stars). 3 submissions from 3 submitters: Likely benign (3). Last evaluated 2025-09-29.

Conditions:
Familial thoracic aortic aneurysm and aortic dissection (TAAD). Also called: Thoracic aortic aneurysms and dissections. Identifiers: Orphanet 91387, MedGen C4707243, MONDO:0019625.

Allele frequency attached by ClinVar (database versions not stated): gnomAD exomes below 0.00001.
gnomAD v4.1: 1 of 1,613,078 alleles (0.000062%); highest among the groups gnomAD compares: Non-Finnish European, 0.000085%; no homozygotes.

Submissions (3):

Color Diagnostics, LLC DBA Color Health
Classification: Likely benign for Familial thoracic aortic aneurysm and aortic dissection. Last evaluated: 2025-09-29. Review status: criteria provided, single submitter. Criteria: ACMG Guidelines, 2015. Collection method: clinical testing. Allele origin: germline.

Ambry Genetics
Classification: Likely benign for Familial thoracic aortic aneurysm and aortic dissection. Last evaluated: 2025-08-31. Review status: criteria provided, single submitter. Criteria: Ambry Variant Classification Scheme 2023. Collection method: clinical testing. Allele origin: germline.

GeneDx
Classification: Likely benign. Last evaluated: 2017-09-01. Review status: criteria provided, single submitter. Criteria: GeneDx Variant Classification (06012015). Collection method: clinical testing. Allele origin: germline. Affected: yes.
Comment: This variant is considered likely benign or benign based on one or more of the following criteria: it is a conservative change, it occurs at a poorly conserved position in the protein, it is predicted to be benign by multiple in silico algorithms, and/or has population frequency not consistent with disease.

NM_000138.5(FBN1):c.5301T>C (p.Ile1767=)

Gene: FBN1 (fibrillin 1; minus strand). Cytogenetic location: 15q21.1.
Variant type: single nucleotide variant.
Coding change: c.5301T>C on transcript NM_000138.5 (MANE Select); coding-DNA position 5301, T replaced by C.
Protein change: p.Ile1767=; no amino-acid change (isoleucine 1767 retained).
Molecular consequence: synonymous variant.
Genome position (GRCh38, 1-based): chr15:48,456,758, A>G on the plus strand (T>C on the coding strand, the complement: FBN1 is on the minus strand). VCF-style: chr15-48456758-A-G. GRCh37 (hg19) VCF-style: chr15-48748955-A-G.
Identifiers: ClinVar variation 263415 (VCV000263415.5), dbSNP rs886038796, ClinGen allele CA10587811.
Genomic context (GRCh38, chr15:48,456,758, plus strand): 5'-GCCAACCATGTTGATACACACTCCATTTTCACAGACCCCTGGGATCTCCCGGCACTCATC[A>G]ATATCTAGAGACAGAGTAGTCATTCATGAGTGACAGGACAGCACATGATCCCTGTGCAGG-3'
Protein context (NP_000129.3, residues 1757-1777): IDIYTGLPVD[Ile1767=]DECREIPGVC